The following is an entry in ClinVar:

NM_000153.4(GALC):c.1109A>G (p.Tyr370Cys)

Gene: GALC (galactosylceramidase; minus strand). Cytogenetic location: 14q31.3.
Variant type: single nucleotide variant.
Coding change: c.1109A>G on transcript NM_000153.4 (MANE Select); coding-DNA position 1109, A replaced by G.
Protein change: p.Tyr370Cys; replaces tyrosine 370 with cysteine.
Molecular consequence: missense variant. On other transcripts: non-coding transcript variant (1).
Genome position (GRCh38, 1-based): chr14:87,963,436, T>C on the plus strand (A>G on the coding strand, the complement: GALC is on the minus strand). VCF-style: chr14-87963436-T-C. GRCh37 (hg19) VCF-style: chr14-88429780-T-C.
Other names: c.1040A>G, p.Tyr347Cys (NM_001201401.2); c.1031A>G, p.Tyr344Cys (NM_001201402.2); c.941A>G, p.Tyr314Cys (NM_001424071.1, NM_001424072.1, NM_001424073.1); c.761A>G, p.Tyr254Cys (NM_001424074.1, NM_001424075.1); c.476A>G, p.Tyr159Cys (NM_001424076.1, NM_001424077.1); short protein forms Y159C, Y254C, Y314C, Y344C, Y347C, Y370C.
Identifiers: ClinVar variation 4531489 (VCV004531489.1).

ClinVar aggregate classification (germline): Likely pathogenic (1 of 4 stars; one submission).

Conditions:
Galactosylceramide beta-galactosidase deficiency. Also called: Leukodystrophy, Globoid Cell; Krabbe Disease; GALACTOCEREBROSIDASE DEFICIENCY; GALC DEFICIENCY; GLOBOID CELL LEUKOENCEPHALOPATHY. Identifiers: Orphanet 487, MedGen C0023521, MONDO:0009499, OMIM 245200.

gnomAD v4.1: 7 of 1,613,448 alleles (0.00043%); highest among the groups gnomAD compares: Non-Finnish European, 0.00059%; no homozygotes.

Submission:

Victorian Clinical Genetics Services, Murdoch Childrens Research Institute
Classification: Likely pathogenic for Galactosylceramide beta-galactosidase deficiency. Last evaluated: 2025-09-25. Review status: criteria provided, single submitter. Criteria: ACMG Guidelines, 2015. Collection method: clinical testing. Allele origin: germline. Affected: yes.
Comment: This variant is classified as Likely pathogenic. Evidence in support of pathogenic classification: Variant is present in gnomAD <0.01 for a recessive condition (v4: 7 heterozygote(s), 0 homozygote(s)); Missense variant predicted to be damaging by in silico tool(s) or highly conserved with a major amino acid change; Heterozygous variant detected in trans with a second PATHOGENIC heterozygous variant (NM_000153.4(GALC):c.752+3257_910del) in a recessive disease. Additional information: Variant is predicted to result in a missense amino acid change from Tyr to Cys; This variant is heterozygous; This gene is associated with autosomal recessive disease; Alternative amino acid change(s) at the same position are present in gnomAD (Highest allele count: v4: 101 heterozygote(s), 0 homozygote(s)); This variant has no previous evidence of pathogenicity; No published evidence of segregation with disease has been identified for this variant; No published functional evidence has been identified for this variant; Another missense variant comparable to the one identified in this case has inconclusive previous evidence for pathogenicity. The p.(Tyr370Ser) variant has been classified as a VUS by clinical laboratories in ClinVar, and reported in the literature in a newborn baby with low galactocerebrosidase activity (PMID: 26795590); Variant is located in the annotated glycosyl hydrolase family 59 central domain (DECIPHER); Loss of function is a known mechanism of disease in this gene and is associated with Krabbe disease (MIM#245200).

Literature cited by the submitters: PubMed 26795590.